The following is an entry in ClinVar:

Conditions:
Breast-ovarian cancer, familial, susceptibility to, 1 (BROVCA1). Also called: BRCA1 Hereditary Breast and Ovarian Cancer; OVARIAN CANCER, SUSCEPTIBILITY TO. Identifiers: Orphanet 145, MedGen C2676676, MONDO:0011450, OMIM 604370. Disease mechanism: loss of function.

Submission:

Brotman Baty Institute, University of Washington
No classification provided (evidence only). Condition: Breast-ovarian cancer, familial 1. Review status: no classification provided. Collection method: in vitro. Allele origin: not applicable. Functional consequence: functionally_normal.
ClinVar note: "not provided" was previously submitted as the classification for the variant. However, the classification appeared to be based only on an observation of functional data so it was converted to no classification on 2025-07-30.

NM_007294.4(BRCA1):c.4979A>T (p.Glu1660Val)

Gene: BRCA1 (BRCA1 DNA repair associated; minus strand). Cytogenetic location: 17q21.31.
Variant type: single nucleotide variant.
Coding change: c.4979A>T on transcript NM_007294.4 (MANE Select); coding-DNA position 4979, A replaced by T.
Protein change: p.Glu1660Val; replaces glutamic acid 1660 with valine.
Molecular consequence: missense variant. On other transcripts: non-coding transcript variant (1).
Genome position (GRCh38, 1-based): chr17:43,070,935, T>A on the plus strand (A>T on the coding strand, the complement: BRCA1 is on the minus strand). VCF-style: chr17-43070935-T-A. GRCh37 (hg19) VCF-style: chr17-41222952-T-A.
Other names: c.4766A>T, p.Glu1589Val (NM_001407571.1, NM_001407907.1, NM_001407908.1 and 12 more transcripts); c.5045A>T, p.Glu1682Val (NM_001407581.1, NM_001407582.1); c.5042A>T, p.Glu1681Val (NM_001407583.1, NM_001407585.1, NM_001407587.1 and 1 more transcripts); c.5039A>T, p.Glu1680Val (NM_001407590.1, NM_001407591.1); c.4979A>T, p.Glu1660Val (NM_001407593.1, NM_001407594.1, NM_001407596.1 and 8 more transcripts); c.4976A>T, p.Glu1659Val (NM_001407614.1, NM_001407615.1, NM_001407616.1 and 17 more transcripts); c.4973A>T, p.Glu1658Val (NM_001407633.1, NM_001407634.1, NM_001407635.1 and 14 more transcripts); c.4901A>T, p.Glu1634Val (NM_001407655.1, NM_001407653.1, NM_001407654.1); and 70 more; short protein forms E1660V, E556V, E1613V, E1681V, E1364V, E1506V, E1571V, E1572V.
Identifiers: ClinVar variation 868472 (VCV000868472.3), dbSNP rs2052356167, ClinGen allele CA10591567.